The following is an entry in ClinVar:

NM_152743.4(BRAT1):c.856dup (p.Ala286fs)

Gene: BRAT1 (BRCA1 associated ATM activator 1; minus strand). Cytogenetic location: 7p22.3.
Variant type: Duplication.
Coding change: c.856dup on transcript NM_152743.4 (MANE Select); coding-DNA position 856, one base duplicated (G; older notation c.856dupG).
Protein change: p.Ala286fs; shifts the reading frame from alanine 286.
Molecular consequence: frameshift variant. On other transcripts: non-coding transcript variant (1).
Genome position (GRCh38, 1-based): chr7:2,543,271, C duplicated on the plus strand (G on the coding strand, the reverse complement: BRAT1 is on the minus strand); the first of 3 consecutive C bases (chr7:2,543,271-2,543,273); duplicating any one gives the same sequence. VCF-style (leftmost placement, unchanged base first): chr7-2543270-G-GC. GRCh37 (hg19) VCF-style: chr7-2582904-G-GC.
Other names: c.856dup, p.Ala286fs (NM_001350626.2); c.331dup, p.Ala111fs (NM_001350627.2); short protein forms A111fs, A286fs.
Identifiers: ClinVar variation 3338065 (VCV003338065.1).

ClinVar aggregate classification (germline): Likely pathogenic (0 of 4 stars; one submission).

Conditions:
Neonatal-onset encephalopathy with rigidity and seizures. Also called: Lethal neonatal spasticity-epileptic encephalopathy syndrome. Identifiers: Orphanet 435845, MedGen C3281029, MONDO:0013784, OMIM 614498.

Submission:

Solve-RD Consortium
Classification: Likely pathogenic for Neonatal-onset encephalopathy with rigidity and seizures. Last evaluated: 2022-06-01. Review status: no assertion criteria provided. Collection method: provider interpretation. Allele origin: inherited. Affected: yes.
Comment: Variant confirmed as disease-causing by referring clinical team

Variant identified during reanalysis of unsolved cases by the Solve-RD project. The Solve-RD project has received funding from the European Union’s Horizon 2020 research and innovation programme under grant agreement No 779257.

Literature cited by the submitters: PubMed 39825153.